The following is an entry in ClinVar:

NM_003073.5(SMARCB1):c.128T>G (p.Leu43Arg)

Gene: SMARCB1 (SWI/SNF related BAF chromatin remodeling complex subunit B1; plus strand). Cytogenetic location: 22q11.23.
Variant type: single nucleotide variant.
Coding change: c.128T>G on transcript NM_003073.5 (MANE Select); coding-DNA position 128, T replaced by G.
Protein change: p.Leu43Arg; replaces leucine 43 with arginine.
Molecular consequence: missense variant.
Genome position (GRCh38, 1-based): chr22:23,791,790, T>G. VCF-style: chr22-23791790-T-G. GRCh37 (hg19) VCF-style: chr22-24133977-T-G.
Other names: c.128T>G, p.Leu43Arg (NM_001007468.3, NM_001317946.2, NM_001362877.2); short protein forms L43R.
Identifiers: ClinVar variation 1021181 (VCV001021181.8), dbSNP rs1928397303, ClinGen allele CA410932549.
Genomic context (GRCh38, chr22:23,791,790, plus strand): 5'-AATGAGCCTTCTTGCTTTACTCATAGGTGGGAAACTACCTCCGTATGTTCCGAGGTTCTC[T>G]GTACAAGAGATACCCCTCACTCTGGAGGCGACTAGCCACTGTGGAAGAGAGGAAGAAAAT-3'
Protein context (NP_003064.2, residues 33-53): GNYLRMFRGS[Leu43Arg]YKRYPSLWRR

ClinVar aggregate classification (germline): Uncertain significance (1 of 4 stars; one submission).

Submission:

Labcorp Genetics (formerly Invitae), Labcorp
Classification: Uncertain significance. Last evaluated: 2020-09-17. Review status: criteria provided, single submitter. Criteria: Invitae Variant Classification Sherloc (09022015). Collection method: clinical testing. Allele origin: germline.
Comment: In summary, the available evidence is currently insufficient to determine the role of this variant in disease. Therefore, it has been classified as a Variant of Uncertain Significance. Algorithms developed to predict the effect of missense changes on protein structure and function (SIFT, PolyPhen-2, Align-GVGD) all suggest that this variant is likely to be disruptive, but these predictions have not been confirmed by published functional studies and their clinical significance is uncertain. This variant has been observed in individual(s) with clinical features of SMARCB1-related schwannomatosis (Invitae). It has also been observed to segregate with disease in related individuals. This variant is not present in population databases (ExAC no frequency). This sequence change replaces leucine with arginine at codon 43 of the SMARCB1 protein (p.Leu43Arg). The leucine residue is highly conserved and there is a moderate physicochemical difference between leucine and arginine.